The following is an entry in ClinVar:

NM_001376256.1(CRYM):c.247C>G (p.Arg83Gly)

Gene: CRYM (crystallin mu; minus strand). Cytogenetic location: 16p12.2.
Variant type: single nucleotide variant.
Coding change: c.247C>G on transcript NM_001376256.1 (MANE Select); coding-DNA position 247, C replaced by G.
Protein change: p.Arg83Gly; replaces arginine 83 with glycine.
Molecular consequence: missense variant.
Genome position (GRCh38, 1-based): chr16:21,277,508, G>C on the plus strand (C>G on the coding strand, the complement: CRYM is on the minus strand). VCF-style: chr16-21277508-G-C. GRCh37 (hg19) VCF-style: chr16-21288829-G-C.
Other names: c.247C>G, p.Arg83Gly (NM_001888.5); short protein forms R83G.
Identifiers: ClinVar variation 3610722 (VCV003610722.2).

ClinVar aggregate classification (germline): Uncertain significance (1 of 4 stars; one submission).

gnomAD v4.1: 5 of 1,613,776 alleles (0.00031%); highest among the groups gnomAD compares: East Asian, 0.0022%; no homozygotes.

Submission:

Labcorp Genetics (formerly Invitae), Labcorp
Classification: Uncertain significance. Last evaluated: 2024-04-04. Review status: criteria provided, single submitter. Criteria: Invitae Variant Classification Sherloc (09022015). Collection method: clinical testing. Allele origin: germline.
Comment: This sequence change replaces arginine, which is basic and polar, with glycine, which is neutral and non-polar, at codon 83 of the CRYM protein (p.Arg83Gly). This variant is present in population databases (rs772819409, gnomAD 0.006%). This variant has not been reported in the literature in individuals affected with CRYM-related conditions. Advanced modeling of protein sequence and biophysical properties (such as structural, functional, and spatial information, amino acid conservation, physicochemical variation, residue mobility, and thermodynamic stability) performed at Invitae indicates that this missense variant is not expected to disrupt CRYM protein function with a negative predictive value of 80%. In summary, the available evidence is currently insufficient to determine the role of this variant in disease. Therefore, it has been classified as a Variant of Uncertain Significance.